The following is an entry in ClinVar:

NM_012158.4(FBXL3):c.387T>C (p.Asp129=)

Gene: FBXL3 (F-box and leucine rich repeat protein 3; minus strand). Cytogenetic location: 13q22.3.
Variant type: single nucleotide variant.
Coding change: c.387T>C on transcript NM_012158.4 (MANE Select); coding-DNA position 387, T replaced by C.
Protein change: p.Asp129=; no amino-acid change (aspartic acid 129 retained).
Molecular consequence: synonymous variant.
Genome position (GRCh38, 1-based): chr13:77,018,684, A>G on the plus strand (T>C on the coding strand, the complement: FBXL3 is on the minus strand). VCF-style: chr13-77018684-A-G. GRCh37 (hg19) VCF-style: chr13-77592819-A-G.
Identifiers: ClinVar variation 2643850 (VCV002643850.24), dbSNP rs541094460, ClinGen allele CA7007452.

ClinVar aggregate classification (germline): Likely benign (1 of 4 stars; one submission).

Allele frequency attached by ClinVar (database versions not stated): gnomAD exomes 0.00001; TOPMed 0.00001; gnomAD 0.00004; ExAC 0.00006; 1000 Genomes Project 30x 0.00047; 1000 Genomes Project 0.00060.
gnomAD v4.1: 23 of 1,593,950 alleles (0.0014%); highest among the groups gnomAD compares: South Asian, 0.025%; no homozygotes.

Submission:

CeGaT Center for Human Genetics Tuebingen
Classification: Likely benign. Last evaluated: 2023-08-01. Review status: criteria provided, single submitter. Criteria: CeGaT Center For Human Genetics Tuebingen Variant Classification Criteria Version 2. Collection method: clinical testing. Allele origin: germline. Affected: yes. Observed: 1 variant allele.
Comment: FBXL3: BP4, BP7